The following is an entry in ClinVar:

ClinVar aggregate classification (germline): Conflicting classifications of pathogenicity. Review status: criteria provided, conflicting classifications (1 of 4 stars). 5 submissions from 5 submitters: Uncertain significance (4); Likely benign (1). Last evaluated 2025-06-08.

Conditions:
Hereditary cancer-predisposing syndrome. Also called: Tumor predisposition; Neoplastic Syndromes, Hereditary; Hereditary Cancer Syndrome; Hereditary neoplastic syndrome. Identifiers: Orphanet 140162, MedGen C0027672, MeSH D009386, MONDO:0015356.
Cardiovascular phenotype. Identifiers: MedGen CN230736.
NF1-related disorder. Also called: NF1-related condition. Identifiers: MedGen CN379171.
Neurofibromatosis, type 1 (NF1). Also called: Neurofibromatosis, type I; NEUROFIBROMATOSIS, TYPE I, SOMATIC; Peripheral type neurofibromatosis; VON RECKLINGHAUSEN DISEASE. Identifiers: Orphanet 636, MedGen C0027831, MONDO:0018975, OMIM 162200. Disease mechanism: loss of function.

Allele frequency attached by ClinVar (database versions not stated): gnomAD exomes below 0.00001.
gnomAD v4.1: 1 of 1,614,044 alleles (0.000062%); highest among the groups gnomAD compares: Non-Finnish European, 0.000085%; no homozygotes.

Submissions (5):

Labcorp Genetics (formerly Invitae), Labcorp
Classification: Likely benign for Neurofibromatosis, type 1. Last evaluated: 2025-06-08. Review status: criteria provided, single submitter. Criteria: Invitae Variant Classification Sherloc (09022015). Collection method: clinical testing. Allele origin: germline.

Ambry Genetics
Classification: Uncertain significance for Cardiovascular phenotype; Hereditary cancer-predisposing syndrome. Last evaluated: 2025-04-14. Review status: criteria provided, single submitter. Criteria: Ambry Variant Classification Scheme 2023. Collection method: clinical testing. Allele origin: germline.
Comment: The p.A1281G variant (also known as c.3842C>G), located in coding exon 28 of the NF1 gene, results from a C to G substitution at nucleotide position 3842. The alanine at codon 1281 is replaced by glycine, an amino acid with similar properties. This amino acid position is highly conserved in available vertebrate species. In addition, this alteration is predicted to be deleterious by in silico analysis. Since supporting evidence is limited at this time, the clinical significance of this alteration remains unclear.

PreventionGenetics, part of Exact Sciences
Classification: Uncertain significance for NF1-related condition. Last evaluated: 2023-06-11. Review status: criteria provided, single submitter. Criteria: ACMG Guidelines, 2015. Collection method: clinical testing. Allele origin: germline.
Comment: The NF1 c.3842C>G variant is predicted to result in the amino acid substitution p.Ala1281Gly. To our knowledge, this variant has not been reported in the literature or in a large population database, indicating this variant is rare. At this time, the clinical significance of this variant is uncertain due to the absence of conclusive functional and genetic evidence.

GeneDx
Classification: Uncertain significance. Last evaluated: 2022-11-30. Review status: criteria provided, single submitter. Criteria: GeneDx Variant Classification Process June 2021. Collection method: clinical testing. Allele origin: germline. Affected: yes.
Comment: Not observed at significant frequency in large population cohorts (gnomAD); In silico analysis supports that this missense variant does not alter protein structure/function; Has not been previously published as pathogenic or benign to our knowledge; This variant is associated with the following publications: (PMID: 25486365, 22807134)

Genome-Nilou Lab
Classification: Uncertain significance for Neurofibromatosis, type 1. Last evaluated: 2022-03-15. Review status: criteria provided, single submitter. Criteria: ACMG Guidelines, 2015. Collection method: clinical testing. Allele origin: germline. Affected: no.

NM_001042492.3(NF1):c.3842C>G (p.Ala1281Gly)

Gene: NF1 (neurofibromin 1; plus strand). Cytogenetic location: 17q11.2.
Variant type: single nucleotide variant.
Coding change: c.3842C>G on transcript NM_001042492.3 (MANE Select); coding-DNA position 3842, C replaced by G.
Protein change: p.Ala1281Gly; replaces alanine 1281 with glycine.
Molecular consequence: missense variant.
Genome position (GRCh38, 1-based): chr17:31,235,744, C>G. VCF-style: chr17-31235744-C-G. GRCh37 (hg19) VCF-style: chr17-29562762-C-G.
Other names: c.3842C>G, p.Ala1281Gly (NM_000267.4); short protein forms A1281G.
Identifiers: ClinVar variation 404552 (VCV000404552.13), dbSNP rs1060500341, ClinGen allele CA16615496.